The following is an entry in ClinVar:

ClinVar aggregate classification (germline): Uncertain significance (1 of 4 stars; one submission).

Conditions:
Fanconi anemia complementation group P. Also called: SLX4-Related Fanconi Anemia. Identifiers: Orphanet 84, MedGen C3469542, MONDO:0013499, OMIM 613951.

Allele frequency attached by ClinVar (database versions not stated): gnomAD 0.00002; TOPMed 0.00004; 1000 Genomes Project 0.00020; 1000 Genomes Project 30x 0.00031.
gnomAD v4.1: 33 of 1,614,140 alleles (0.002%); highest among the groups gnomAD compares: African/African-American, 0.0093%; no homozygotes.

Submission:

Baylor Genetics
Classification: Uncertain significance for Fanconi anemia complementation group P. Last evaluated: 2019-01-23. Review status: criteria provided, single submitter. Criteria: ACMG Guidelines, 2015. Collection method: clinical testing. Allele origin: unknown. Affected: yes. Study: CSER-TexasKidsCanSeq.
Comment: This variant was determined to be of uncertain significance according to ACMG Guidelines, 2015 [PMID:25741868].

NM_032444.4(SLX4):c.796G>A (p.Ala266Thr)

Gene: SLX4 (SLX4 structure-specific endonuclease subunit; minus strand). Cytogenetic location: 16p13.3.
Variant type: single nucleotide variant.
Coding change: c.796G>A on transcript NM_032444.4 (MANE Select); coding-DNA position 796, G replaced by A.
Protein change: p.Ala266Thr; replaces alanine 266 with threonine.
Molecular consequence: missense variant.
Genome position (GRCh38, 1-based): chr16:3,602,272, C>T on the plus strand (G>A on the coding strand, the complement: SLX4 is on the minus strand). VCF-style: chr16-3602272-C-T. GRCh37 (hg19) VCF-style: chr16-3652273-C-T.
Other names: short protein forms A266T.
Identifiers: ClinVar variation 998263 (VCV000998263.1), dbSNP rs543071212, ClinGen allele CA7866739.
Genomic context (GRCh38, chr16:3,602,272, plus strand): 5'-CATCATGTGCCGATGCTCCTACCCGTGCAAACTCCTGCTGCAGGGTCAAGGCCACCGCAG[C>T]GTCGCTCTCTGGGGCAGGGGGCCCAAGCCCATACACTGTGGAGAAGCACCAAAGATCCGT-3'
Protein context (NP_115820.2, residues 256-276): GLGPPAPESD[Ala266Thr]AVALTLQQEF